The following is an entry in ClinVar:

NM_017950.4(CCDC40):c.281A>T (p.Glu94Val)

Gene: CCDC40 (coiled-coil domain 40 molecular ruler complex subunit; plus strand). Cytogenetic location: 17q25.3.
Variant type: single nucleotide variant.
Coding change: c.281A>T on transcript NM_017950.4 (MANE Select); coding-DNA position 281, A replaced by T.
Protein change: p.Glu94Val; replaces glutamic acid 94 with valine.
Molecular consequence: missense variant.
Genome position (GRCh38, 1-based): chr17:80,039,999, A>T. VCF-style: chr17-80039999-A-T. GRCh37 (hg19) VCF-style: chr17-78013798-A-T.
Other names: c.281A>T, p.Glu94Val (NM_001243342.2, NM_001330508.2); short protein forms E94V.
Identifiers: ClinVar variation 1514489 (VCV001514489.8), dbSNP rs2143577082, ClinGen allele CA401347885.

ClinVar aggregate classification (germline): Uncertain significance (1 of 4 stars; one submission).

Conditions:
Primary ciliary dyskinesia. Also called: Ciliary dyskinesia. Identifiers: Orphanet 244, MedGen C0008780, MONDO:0016575, HP:0012265.

Submission:

Labcorp Genetics (formerly Invitae), Labcorp
Classification: Uncertain significance for Primary ciliary dyskinesia. Last evaluated: 2022-08-23. Review status: criteria provided, single submitter. Criteria: Invitae Variant Classification Sherloc (09022015). Collection method: clinical testing. Allele origin: germline.
Comment: In summary, the available evidence is currently insufficient to determine the role of this variant in disease. Therefore, it has been classified as a Variant of Uncertain Significance. This sequence change replaces glutamic acid, which is acidic and polar, with valine, which is neutral and non-polar, at codon 94 of the CCDC40 protein (p.Glu94Val). This variant is not present in population databases (gnomAD no frequency). This variant has not been reported in the literature in individuals affected with CCDC40-related conditions. ClinVar contains an entry for this variant (Variation ID: 1514489). Algorithms developed to predict the effect of missense changes on protein structure and function are either unavailable or do not agree on the potential impact of this missense change (SIFT: "Deleterious"; PolyPhen-2: "Benign"; Align-GVGD: "Class C0"). Algorithms developed to predict the effect of sequence changes on RNA splicing suggest that this variant may create or strengthen a splice site.